The following is an entry in ClinVar:

ClinVar aggregate classification (germline): Uncertain significance (1 of 4 stars; one submission).

Submission:

Labcorp Genetics (formerly Invitae), Labcorp
Classification: Uncertain significance. Last evaluated: 2024-08-04. Review status: criteria provided, single submitter. Criteria: Invitae Variant Classification Sherloc (09022015). Collection method: clinical testing. Allele origin: germline.
Comment: This sequence change replaces aspartic acid, which is acidic and polar, with alanine, which is neutral and non-polar, at codon 199 of the TGFB1 protein (p.Asp199Ala). This variant is not present in population databases (gnomAD no frequency). This variant has not been reported in the literature in individuals affected with TGFB1-related conditions. Advanced modeling of protein sequence and biophysical properties (such as structural, functional, and spatial information, amino acid conservation, physicochemical variation, residue mobility, and thermodynamic stability) has been performed at Invitae for this missense variant, however the output from this modeling did not meet the statistical confidence thresholds required to predict the impact of this variant on TGFB1 protein function. Experimental studies have shown that this missense change affects TGFB1 function (PMID: 20308061). In summary, the available evidence is currently insufficient to determine the role of this variant in disease. Therefore, it has been classified as a Variant of Uncertain Significance.

Literature cited by the submitters: PubMed 20308061.

NM_000660.7(TGFB1):c.596A>C (p.Asp199Ala)

Gene: TGFB1 (transforming growth factor beta 1; minus strand). Cytogenetic location: 19q13.2.
Variant type: single nucleotide variant.
Coding change: c.596A>C on transcript NM_000660.7 (MANE Select); coding-DNA position 596, A replaced by C.
Protein change: p.Asp199Ala; replaces aspartic acid 199 with alanine.
Molecular consequence: missense variant.
Genome position (GRCh38, 1-based): chr19:41,344,785, T>G on the plus strand (A>C on the coding strand, the complement: TGFB1 is on the minus strand). VCF-style: chr19-41344785-T-G. GRCh37 (hg19) VCF-style: chr19-41850690-T-G.
Other names: short protein forms D199A.
Identifiers: ClinVar variation 3661385 (VCV003661385.2).